The following is an entry in ClinVar:

NM_002878.4(RAD51D):c.481-5T>C

Genes: RAD51D (RAD51 paralog D; minus strand), RAD51L3-RFFL (RAD51L3-RFFL readthrough; minus strand). Cytogenetic location: 17q12.
Variant type: single nucleotide variant.
Coding change: c.481-5T>C on transcript NM_002878.4 (MANE Select); 5 bases into the intron before coding-DNA position 481, T replaced by C.
Molecular consequence: intron variant.
Genome position (GRCh38, 1-based): chr17:35,106,486, A>G on the plus strand (T>C on the coding strand, the complement: RAD51D is on the minus strand). VCF-style: chr17-35106486-A-G. GRCh37 (hg19) VCF-style: chr17-33433505-A-G.
Other names: c.145-5T>C (NM_133629.3); c.541-5T>C (NM_001142571.2).
Identifiers: ClinVar variation 628090 (VCV000628090.11), dbSNP rs374382703, ClinGen allele CA913188805.

ClinVar aggregate classification (germline): Conflicting classifications of pathogenicity. Review status: criteria provided, conflicting classifications (1 of 4 stars). 4 submissions from 4 submitters: Uncertain significance (2); Likely benign (2). Last evaluated 2025-07-07.

Conditions:
Hereditary cancer-predisposing syndrome. Also called: Neoplastic Syndromes, Hereditary; Tumor predisposition; Hereditary neoplastic syndrome; Hereditary Cancer Syndrome. Identifiers: Orphanet 140162, MedGen C0027672, MeSH D009386, MONDO:0015356.
Breast-ovarian cancer, familial, susceptibility to, 4. Identifiers: Orphanet 145, MedGen C3280345, MONDO:0013669, OMIM 614291.

Submissions (4):

Labcorp Genetics (formerly Invitae), Labcorp
Classification: Likely benign for Breast-ovarian cancer, familial, susceptibility to, 4. Last evaluated: 2025-07-07. Review status: criteria provided, single submitter. Criteria: Invitae Variant Classification Sherloc (09022015). Collection method: clinical testing. Allele origin: germline.

Myriad Genetics, Inc.
Classification: Likely benign for Breast-ovarian cancer, familial, susceptibility to, 4. Last evaluated: 2025-02-24. Review status: criteria provided, single submitter. Criteria: Myriad Autosomal Dominant, Autosomal Recessive and X-Linked Classification Criteria (2023). Collection method: clinical testing. Allele origin: unknown.
Comment: This variant is considered likely benign. This variant is intronic and is not expected to impact mRNA splicing.

Ambry Genetics
Classification: Uncertain significance for Hereditary cancer-predisposing syndrome. Last evaluated: 2021-03-03. Review status: criteria provided, single submitter. Criteria: Ambry Variant Classification Scheme 2023. Collection method: clinical testing. Allele origin: germline.
Comment: The c.481-5T>C intronic variant results from a T to C substitution 5 nucleotides upstream from coding exon 6 in the RAD51D gene. This nucleotide position is well conserved in available vertebrate species. In silico splice site analysis for this alteration is inconclusive. Since supporting evidence is limited at this time, the clinical significance of this alteration remains unclear.

Color Diagnostics, LLC DBA Color Health
Classification: Uncertain significance for Hereditary cancer-predisposing syndrome. Last evaluated: 2019-04-24. Review status: criteria provided, single submitter. Criteria: ACMG Guidelines, 2015. Collection method: clinical testing. Allele origin: germline.